The following is an entry in ClinVar:

ClinVar aggregate classification (germline): Benign (1 of 4 stars; one submission).

Conditions:
Juvenile polyposis/hereditary hemorrhagic telangiectasia syndrome (JPHT). Also called: JP/HHT SYNDROME; JUVENILE POLYPOSIS WITH HEREDITARY HEMORRHAGIC TELANGIECTASIA; POLYPOSIS, GENERALIZED JUVENILE, WITH PULMONARY ARTERIOVENOUS MALFORMATION; TELANGIECTASIA, HEREDITARY HEMORRHAGIC, WITH JUVENILE POLYPOSIS COLI; Juvenile Polyposis Syndrome / Hereditary Hemorrhagic Telangiectasia (JPS/HHT). Identifiers: Orphanet 2929, MedGen C1832942, MONDO:0008278, OMIM 175050.

Submission:

Myriad Genetics, Inc.
Classification: Benign for Juvenile polyposis/hereditary hemorrhagic telangiectasia syndrome. Last evaluated: 2025-03-21. Review status: criteria provided, single submitter. Criteria: Myriad Autosomal Dominant, Autosomal Recessive and X-Linked Classification Criteria (2023). Collection method: clinical testing. Allele origin: unknown.
Comment: This variant is considered benign. This variant is a silent/synonymous amino acid change and it is not expected to impact splicing.

NM_005359.6(SMAD4):c.1089T>C (p.Cys363=)

Gene: SMAD4 (SMAD family member 4; plus strand). Cytogenetic location: 18q21.2.
Variant type: single nucleotide variant.
Coding change: c.1089T>C on transcript NM_005359.6 (MANE Select); coding-DNA position 1089, T replaced by C.
Protein change: p.Cys363=; no amino-acid change (cysteine 363 retained).
Molecular consequence: synonymous variant. On other transcripts: non-coding transcript variant (2).
Genome position (GRCh38, 1-based): chr18:51,065,556, T>C. VCF-style: chr18-51065556-T-C. GRCh37 (hg19) VCF-style: chr18-48591926-T-C.
Other names: c.1089T>C, p.Cys363= (NM_001407041.1, NM_001407042.1, NM_001407043.1).
Identifiers: ClinVar variation 3904401 (VCV003904401.1).
Genomic context (GRCh38, chr18:51,065,556, plus strand): 5'-AAGCTGCCCTATTGTTACTGTTGATGGATACGTGGACCCTTCTGGAGGAGATCGCTTTTG[T>C]TTGGGTCAACTCTCCAATGTCCACAGGACAGAAGCCATTGAGAGAGCAAGGTATTGATTG-3'
Protein context (NP_005350.1, residues 353-373): YVDPSGGDRF[Cys363=]LGQLSNVHRT